The following is an entry in ClinVar:

ClinVar aggregate classification (germline): Likely benign (0 of 4 stars; one submission).

Conditions:
NRCAM-related disorder.

Allele frequency attached by ClinVar (database versions not stated): ExAC 0.00018; 1000 Genomes Project 0.00040; 1000 Genomes Project 30x 0.00047; gnomAD 0.00052; TOPMed 0.00062; ESP Exome Variant Server 0.00085.
gnomAD v4.1: 153 of 1,596,634 alleles (0.0096%); highest among the groups gnomAD compares: African/African-American, 0.18%; 2 homozygotes.

Submission:

PreventionGenetics, part of Exact Sciences
Classification: Likely benign for NRCAM-related condition. Last evaluated: 2022-04-06. Review status: no assertion criteria provided. Collection method: clinical testing. Allele origin: germline.
Comment: This variant is classified as likely benign based on ACMG/AMP sequence variant interpretation guidelines (Richards et al. 2015 PMID: 25741868, with internal and published modifications).

NM_001037132.4(NRCAM):c.1357C>G (p.Pro453Ala)

Gene: NRCAM (neuronal cell adhesion molecule; minus strand). Cytogenetic location: 7q31.1.
Variant type: single nucleotide variant.
Coding change: c.1357C>G on transcript NM_001037132.4 (MANE Select); coding-DNA position 1357, C replaced by G.
Protein change: p.Pro453Ala; replaces proline 453 with alanine.
Molecular consequence: missense variant. On other transcripts: non-coding transcript variant (5).
Genome position (GRCh38, 1-based): chr7:108,195,867, G>C on the plus strand (C>G on the coding strand, the complement: NRCAM is on the minus strand). VCF-style: chr7-108195867-G-C. GRCh37 (hg19) VCF-style: chr7-107836311-G-C.
Other names: c.1357C>G, p.Pro453Ala (NM_001193582.2, NM_001371123.1, NM_001371128.1 and 13 more transcripts); c.1300C>G, p.Pro434Ala (NM_001193583.2, NM_001193584.2, NM_001371119.1 and 22 more transcripts); c.1012C>G, p.Pro338Ala (NM_001371125.1, NM_001371142.1, NM_001371143.1 and 2 more transcripts); c.1354C>G, p.Pro452Ala (NM_001371127.1); c.1339C>G, p.Pro447Ala (NM_001371130.1, NM_001371133.1, NM_001371136.1 and 9 more transcripts); c.1336C>G, p.Pro446Ala (NM_001371134.1); c.430C>G, p.Pro144Ala (NM_001371137.1); c.1069C>G, p.Pro357Ala (NM_001371148.1, NM_001371170.1, NM_001371179.1 and 1 more transcripts); and 1 more; short protein forms P144A, P338A, P357A, P428A, P434A, P446A, P447A, P452A.
Identifiers: ClinVar variation 3044200 (VCV003044200.2), dbSNP rs115891479, ClinGen allele CA4438924.